The following is an entry in ClinVar:

NM_016507.4(CDK12):c.1157C>G (p.Pro386Arg)

Gene: CDK12 (cyclin dependent kinase 12; plus strand). Cytogenetic location: 17q12.
Variant type: single nucleotide variant.
Coding change: c.1157C>G on transcript NM_016507.4 (MANE Select); coding-DNA position 1157, C replaced by G.
Protein change: p.Pro386Arg; replaces proline 386 with arginine.
Molecular consequence: missense variant.
Genome position (GRCh38, 1-based): chr17:39,470,989, C>G. VCF-style: chr17-39470989-C-G. GRCh37 (hg19) VCF-style: chr17-37627242-C-G.
Other names: c.1157C>G, p.Pro386Arg (NM_015083.4); short protein forms P386R.
Identifiers: ClinVar variation 4844513 (VCV004844513.1).
Genomic context (GRCh38, chr17:39,470,989, plus strand): 5'-CATCTTCTCATAGTAAAAAGAAGAGATCCAGTTCACGCAGTCGTCATTCCAGTATCTCAC[C>G]TGTCAGGCTTCCACTTAATTCCAGTCTGGGAGCTGAACTCAGTAGGAAAAAGAAGGAAAG-3'
Protein context (NP_057591.2, residues 376-396): SSRSRHSSIS[Pro386Arg]VRLPLNSSLG

ClinVar aggregate classification (germline): Uncertain significance (1 of 4 stars; one submission).

Submission:

Ambry Genetics
Classification: Uncertain significance. Last evaluated: 2026-02-22. Review status: criteria provided, single submitter. Criteria: Ambry Variant Classification Scheme 2023. Collection method: clinical testing. Allele origin: germline.
Comment: The p.P386R variant (also known as c.1157C>G), located in coding exon 2 of the CDK12 gene, results from a C to G substitution at nucleotide position 1157. The proline at codon 386 is replaced by arginine, an amino acid with dissimilar properties. This amino acid position is conserved. In addition, the in silico prediction for this alteration is inconclusive. Based on the available evidence, the clinical significance of this variant remains unclear.